The following is an entry in ClinVar:

ClinVar aggregate classification (germline): Likely benign (1 of 4 stars; one submission).

Conditions:
NBEAL2-related disorder. Also called: NBEAL2-related condition.

gnomAD v4.1: 2 of 1,612,094 alleles (0.00012%); highest among the groups gnomAD compares: Non-Finnish European, 0.00017%; no homozygotes.

Submission:

PreventionGenetics, part of Exact Sciences
Classification: Likely benign for NBEAL2-related condition. Last evaluated: 2026-04-29. Review status: criteria provided, single submitter. Criteria: ACMG Guidelines, 2015. Collection method: clinical testing. Allele origin: germline.
Comment: This variant is classified as likely benign based on ACMG/AMP sequence variant interpretation guidelines (Richards et al. 2015 PMID: 25741868, with internal and published modifications).

NM_015175.3(NBEAL2):c.352-8A>G

Gene: NBEAL2 (neurobeachin like 2; plus strand). Cytogenetic location: 3p21.31.
Variant type: single nucleotide variant.
Coding change: c.352-8A>G on transcript NM_015175.3 (MANE Select); 8 bases into the intron before coding-DNA position 352, A replaced by G.
Molecular consequence: intron variant.
Genome position (GRCh38, 1-based): chr3:46,989,252, A>G. VCF-style: chr3-46989252-A-G. GRCh37 (hg19) VCF-style: chr3-47030742-A-G.
Other names: c.331-8A>G (NM_001365116.2).
Identifiers: ClinVar variation 4995485 (VCV004995485.1).